The following is an entry in ClinVar:

ClinVar aggregate classification (germline): Uncertain significance (1 of 4 stars; one submission).

Conditions:
EGFR-related lung cancer (EGFR). Identifiers: MedGen CN130014.

Allele frequency attached by ClinVar (database versions not stated): gnomAD 0.00001.
gnomAD v4.1: 1 of 1,613,998 alleles (0.000062%); highest among the groups gnomAD compares: East Asian, 0.0022%; no homozygotes.

Submission:

Labcorp Genetics (formerly Invitae), Labcorp
Classification: Uncertain significance for EGFR-related lung cancer. Last evaluated: 2025-08-07. Review status: criteria provided, single submitter. Criteria: Invitae Variant Classification Sherloc (09022015). Collection method: clinical testing. Allele origin: germline.
Comment: This sequence change affects codon 640 of the EGFR mRNA. It is a 'silent' change, meaning that it does not change the encoded amino acid sequence of the EGFR protein. It affects a nucleotide within the consensus splice site. This variant is not present in population databases (gnomAD no frequency). This variant has not been reported in the literature in individuals affected with EGFR-related conditions. ClinVar contains an entry for this variant (Variation ID: 1479382). Algorithms developed to predict the effect of sequence changes on RNA splicing suggest that this variant is not likely to affect RNA splicing. In summary, the available evidence is currently insufficient to determine the role of this variant in disease. Therefore, it has been classified as a Variant of Uncertain Significance.

NM_005228.5(EGFR):c.1920G>A (p.Gly640=)

Gene: EGFR (epidermal growth factor receptor; plus strand). Cytogenetic location: 7p11.2.
Variant type: single nucleotide variant.
Coding change: c.1920G>A on transcript NM_005228.5 (MANE Select); coding-DNA position 1920, G replaced by A.
Protein change: p.Gly640=; no amino-acid change (glycine 640 retained).
Molecular consequence: synonymous variant.
Genome position (GRCh38, 1-based): chr7:55,172,983, G>A. VCF-style: chr7-55172983-G-A. GRCh37 (hg19) VCF-style: chr7-55240676-G-A.
Other names: c.1785G>A, p.Gly595= (NM_001346897.2, NM_001346899.2); c.1920G>A, p.Gly640= (NM_001346898.2); c.1761G>A, p.Gly587= (NM_001346900.2); c.1119G>A, p.Gly373= (NM_001346941.2).
Identifiers: ClinVar variation 1479382 (VCV001479382.8), dbSNP rs2128952376, ClinGen allele CA454977298.